The following is an entry in ClinVar:

NM_172369.5(C1QC):c.103A>G (p.Ile35Val)

Gene: C1QC (complement C1q C chain; plus strand). Cytogenetic location: 1p36.12.
Variant type: single nucleotide variant.
Coding change: c.103A>G on transcript NM_172369.5 (MANE Select); coding-DNA position 103, A replaced by G.
Protein change: p.Ile35Val; replaces isoleucine 35 with valine.
Molecular consequence: missense variant. On other transcripts: intron variant (1).
Genome position (GRCh38, 1-based): chr1:22,644,126, A>G. VCF-style: chr1-22644126-A-G. GRCh37 (hg19) VCF-style: chr1-22970619-A-G.
Other names: c.103A>G, p.Ile35Val (NM_001114101.3, NM_001347619.2); c.-87+412A>G (NM_001347620.2); short protein forms I35V.
Identifiers: ClinVar variation 1407348 (VCV001407348.8), dbSNP rs775936243, ClinGen allele CA677889.

ClinVar aggregate classification (germline): Uncertain significance (1 of 4 stars; one submission).

Allele frequency attached by ClinVar (database versions not stated): gnomAD 0.00001; gnomAD exomes 0.00001 and 0.00002; TOPMed 0.00001; ExAC 0.00002.
gnomAD v4.1: 30 of 1,583,604 alleles (0.0019%); highest among the groups gnomAD compares: Non-Finnish European, 0.0025%; no homozygotes.

Submission:

Labcorp Genetics (formerly Invitae), Labcorp
Classification: Uncertain significance. Last evaluated: 2021-02-04. Review status: criteria provided, single submitter. Criteria: Invitae Variant Classification Sherloc (09022015). Collection method: clinical testing. Allele origin: germline.
Comment: Algorithms developed to predict the effect of missense changes on protein structure and function (SIFT, PolyPhen-2, Align-GVGD) all suggest that this variant is likely to be tolerated, but these predictions have not been confirmed by published functional studies and their clinical significance is uncertain. In summary, the available evidence is currently insufficient to determine the role of this variant in disease. Therefore, it has been classified as a Variant of Uncertain Significance. This variant has not been reported in the literature in individuals with C1QC-related conditions. This variant is present in population databases (rs775936243, ExAC 0.005%). This sequence change replaces isoleucine with valine at codon 35 of the C1QC protein (p.Ile35Val). The isoleucine residue is highly conserved and there is a small physicochemical difference between isoleucine and valine.